The following is an entry in ClinVar:

ClinVar aggregate classification (germline): Uncertain significance. Review status: criteria provided, multiple submitters, no conflicts (2 of 4 stars). 2 submissions from 2 submitters: Uncertain significance (2). Last evaluated 2025-10-07.

Conditions:
Inborn genetic diseases. Identifiers: MedGen C0950123, MeSH D030342.

Allele frequency attached by ClinVar (database versions not stated): gnomAD exomes below 0.00001; gnomAD 0.00003.
gnomAD v4.1: 10 of 1,613,924 alleles (0.00062%); highest among the groups gnomAD compares: Middle Eastern, 0.016%; no homozygotes.

Submissions (2):

Ambry Genetics
Classification: Uncertain significance for Inborn genetic diseases. Last evaluated: 2025-10-07. Review status: criteria provided, single submitter. Criteria: Ambry Variant Classification Scheme 2023. Collection method: clinical testing. Allele origin: germline.

Labcorp Genetics (formerly Invitae), Labcorp
Classification: Uncertain significance. Last evaluated: 2025-07-09. Review status: criteria provided, single submitter. Criteria: Invitae Variant Classification Sherloc (09022015). Collection method: clinical testing. Allele origin: germline.
Comment: This sequence change replaces glutamic acid, which is acidic and polar, with aspartic acid, which is acidic and polar, at codon 235 of the BMP2 protein (p.Glu235Asp). This variant is not present in population databases (gnomAD no frequency). This variant has not been reported in the literature in individuals affected with BMP2-related conditions. ClinVar contains an entry for this variant (Variation ID: 2128172). An algorithm developed to predict the effect of missense changes on protein structure and function outputs the following: PolyPhen-2: "Benign". The aspartic acid amino acid residue is found in multiple mammalian species, which suggests that this missense change does not adversely affect protein function. In summary, the available evidence is currently insufficient to determine the role of this variant in disease. Therefore, it has been classified as a Variant of Uncertain Significance.

NM_001200.4(BMP2):c.705G>C (p.Glu235Asp)

Gene: BMP2 (bone morphogenetic protein 2; plus strand). Cytogenetic location: 20p12.3.
Variant type: single nucleotide variant.
Coding change: c.705G>C on transcript NM_001200.4 (MANE Select); coding-DNA position 705, G replaced by C.
Protein change: p.Glu235Asp; replaces glutamic acid 235 with aspartic acid.
Molecular consequence: missense variant.
Genome position (GRCh38, 1-based): chr20:6,778,603, G>C. VCF-style: chr20-6778603-G-C. GRCh37 (hg19) VCF-style: chr20-6759250-G-C.
Other names: c.705G>C (NM_001200.2); short protein forms E235D.
Identifiers: ClinVar variation 2128172 (VCV002128172.7), dbSNP rs1296012081, ClinGen allele CA408258923.